The following is an entry in ClinVar:

ClinVar aggregate classification (germline): Uncertain significance (1 of 4 stars; one submission).

Conditions:
Neuroblastoma, susceptibility to, 3. Also called: ALK-Related Neuroblastic Tumor Susceptibility. Identifiers: Orphanet 635, MedGen C2751681, MONDO:0013083, OMIM 613014.

Submission:

Labcorp Genetics (formerly Invitae), Labcorp
Classification: Uncertain significance for Neuroblastoma, susceptibility to, 3. Last evaluated: 2020-04-12. Review status: criteria provided, single submitter. Criteria: Invitae Variant Classification Sherloc (09022015). Collection method: clinical testing. Allele origin: germline.
Comment: This sequence change replaces asparagine with isoleucine at codon 1394 of the ALK protein (p.Asn1394Ile). The asparagine residue is highly conserved and there is a large physicochemical difference between asparagine and isoleucine. This variant is not present in population databases (ExAC no frequency). This variant has not been reported in the literature in individuals with ALK-related conditions. Algorithms developed to predict the effect of missense changes on protein structure and function are either unavailable or do not agree on the potential impact of this missense change (SIFT: "Deleterious"; PolyPhen-2: "Possibly Damaging"; Align-GVGD: "Class C15"). In summary, the available evidence is currently insufficient to determine the role of this variant in disease. Therefore, it has been classified as a Variant of Uncertain Significance.

NM_004304.5(ALK):c.4181A>T (p.Asn1394Ile)

Gene: ALK (ALK receptor tyrosine kinase; minus strand). Cytogenetic location: 2p23.2.
Variant type: single nucleotide variant.
Coding change: c.4181A>T on transcript NM_004304.5 (MANE Select); coding-DNA position 4181, A replaced by T.
Protein change: p.Asn1394Ile; replaces asparagine 1394 with isoleucine.
Molecular consequence: missense variant.
Genome position (GRCh38, 1-based): chr2:29,193,906, T>A on the plus strand (A>T on the coding strand, the complement: ALK is on the minus strand). VCF-style: chr2-29193906-T-A. GRCh37 (hg19) VCF-style: chr2-29416772-T-A.
Other names: c.977A>T, p.Asn326Ile (NM_001353765.2); short protein forms N326I, N1394I.
Identifiers: ClinVar variation 1037172 (VCV001037172.8), dbSNP rs1668957374, ClinGen allele CA346463477.